The following is an entry in ClinVar:

ClinVar aggregate classification (germline): Uncertain significance (1 of 4 stars; one submission).

Submission:

Labcorp Genetics (formerly Invitae), Labcorp
Classification: Uncertain significance. Last evaluated: 2024-08-09. Review status: criteria provided, single submitter. Criteria: Invitae Variant Classification Sherloc (09022015). Collection method: clinical testing. Allele origin: germline.
Comment: This sequence change replaces threonine, which is neutral and polar, with proline, which is neutral and non-polar, at codon 4742 of the USH2A protein (p.Thr4742Pro). This variant is not present in population databases (gnomAD no frequency). This variant has not been reported in the literature in individuals affected with USH2A-related conditions. Advanced modeling of protein sequence and biophysical properties (such as structural, functional, and spatial information, amino acid conservation, physicochemical variation, residue mobility, and thermodynamic stability) performed at Invitae indicates that this missense variant is not expected to disrupt USH2A protein function with a negative predictive value of 95%. In summary, the available evidence is currently insufficient to determine the role of this variant in disease. Therefore, it has been classified as a Variant of Uncertain Significance.

NM_206933.4(USH2A):c.14224A>C (p.Thr4742Pro)

Gene: USH2A (usherin; minus strand). Cytogenetic location: 1q41.
Variant type: single nucleotide variant.
Coding change: c.14224A>C on transcript NM_206933.4 (MANE Select); coding-DNA position 14224, A replaced by C.
Protein change: p.Thr4742Pro; replaces threonine 4742 with proline.
Molecular consequence: missense variant.
Genome position (GRCh38, 1-based): chr1:215,650,711, T>G on the plus strand (A>C on the coding strand, the complement: USH2A is on the minus strand). VCF-style: chr1-215650711-T-G. GRCh37 (hg19) VCF-style: chr1-215824053-T-G.
Other names: short protein forms T4742P.
Identifiers: ClinVar variation 3633747 (VCV003633747.2).